The following is an entry in ClinVar:

NM_007175.8(ERLIN2):c.396G>A (p.Thr132=)

Gene: ERLIN2 (ER lipid raft associated 2; plus strand). Cytogenetic location: 8p11.23.
Variant type: single nucleotide variant.
Coding change: c.396G>A on transcript NM_007175.8 (MANE Select); coding-DNA position 396, G replaced by A.
Protein change: p.Thr132=; no amino-acid change (threonine 132 retained).
Molecular consequence: synonymous variant.
Genome position (GRCh38, 1-based): chr8:37,744,668, G>A. VCF-style: chr8-37744668-G-A. GRCh37 (hg19) VCF-style: chr8-37602186-G-A.
Other names: c.396G>A, p.Thr132= (NM_001003790.4, NM_001003791.3, NM_001362878.2 and 1 more transcripts).
Identifiers: ClinVar variation 3672526 (VCV003672526.4).

ClinVar aggregate classification (germline): Likely benign. Review status: criteria provided, multiple submitters, no conflicts (2 of 4 stars). 2 submissions from 2 submitters: Likely benign (2). Last evaluated 2026-04-01.

Conditions:
Spastic paraplegia. Identifiers: MedGen C0037772, HP:0001258.

gnomAD v4.1: 28 of 1,614,004 alleles (0.0017%); highest among the groups gnomAD compares: Admixed American, 0.0017%; no homozygotes.

Submissions (2):

CeGaT Center for Human Genetics Tuebingen
Classification: Likely benign. Last evaluated: 2026-04-01. Review status: criteria provided, single submitter. Criteria: CeGaT Center For Human Genetics Tuebingen Variant Classification Criteria Version 2. Collection method: clinical testing. Allele origin: germline. Affected: yes. Observed: 1 variant allele.
Comment: ERLIN2: BP4, BP7

Labcorp Genetics (formerly Invitae), Labcorp
Classification: Likely benign for Spastic paraplegia. Last evaluated: 2025-06-12. Review status: criteria provided, single submitter. Criteria: Invitae Variant Classification Sherloc (09022015). Collection method: clinical testing. Allele origin: germline.